The following is an entry in ClinVar:

NM_015046.7(SETX):c.1724dup (p.Leu576fs)

Gene: SETX (senataxin; minus strand). Cytogenetic location: 9q34.13.
Variant type: Duplication.
Coding change: c.1724dup on transcript NM_015046.7 (MANE Select); coding-DNA position 1724, one base duplicated (A; older notation c.1724dupA).
Protein change: p.Leu576fs; shifts the reading frame from leucine 576.
Molecular consequence: frameshift variant.
Genome position (GRCh38, 1-based): chr9:132,329,874, T duplicated on the plus strand (A on the coding strand, the reverse complement: SETX is on the minus strand). VCF-style (leftmost placement, unchanged base first): chr9-132329873-C-CT. GRCh37 (hg19) VCF-style: chr9-135205260-C-CT.
Other names: p.Leu576Valfs*3; c.1724dup, p.Leu576fs (NM_001351527.2, NM_001351528.2); short protein forms L576fs.
Identifiers: ClinVar variation 2683070 (VCV002683070.1), dbSNP rs2539131062, ClinGen allele CA2697558175.
Genomic context (GRCh38, chr9:132,329,873, plus strand): 5'-TATGTTTCTAATAATTTGCTTTAAGCAACTTTGTAGCTCATGGGTTTCCTGACTAGTCAA[C>CT]TGCCAACCTAGAGATAAATTTCCTCTAAGGAATAAGTTGAGCTTATCCCAGAATCGCTTG-3'

ClinVar aggregate classification (germline): Uncertain significance (1 of 4 stars; one submission).

Submission:

Mayo Clinic Laboratories, Mayo Clinic
Classification: Uncertain significance. Last evaluated: 2023-02-07. Review status: criteria provided, single submitter. Criteria: ACMG Guidelines, 2015. Collection method: clinical testing. Allele origin: germline. Observed: 1 variant allele.
Comment: PM2, PVS1